The following is an entry in ClinVar:

NM_005120.3(MED12):c.3851G>C (p.Arg1284Pro)

Gene: MED12 (mediator complex subunit 12; plus strand). Cytogenetic location: Xq13.1.
Variant type: single nucleotide variant.
Coding change: c.3851G>C on transcript NM_005120.3 (MANE Select); coding-DNA position 3851, G replaced by C.
Protein change: p.Arg1284Pro; replaces arginine 1284 with proline.
Molecular consequence: missense variant.
Genome position (GRCh38, 1-based): chrX:71,129,839, G>C. VCF-style: chrX-71129839-G-C. GRCh37 (hg19) VCF-style: chrX-70349689-G-C.
Other names: short protein forms R1284P.
Identifiers: ClinVar variation 3573772 (VCV003573772.1).
Genomic context (GRCh38, chrX:71,129,839, plus strand): 5'-GTGGCCGCAACATCTCTGTGGAGACAGCCAGTCTGGATGTCTATGCCAAGTACGTGCTGC[G>C]CAGCATCTGCCAACAGGTCAGTTTCACCTTCCTCCCACACCTCCTAAATGCCTCTGTGTA-3'
Protein context (NP_005111.2, residues 1274-1294): SLDVYAKYVL[Arg1284Pro]SICQQEWVGE

ClinVar aggregate classification (germline): Uncertain significance (1 of 4 stars; one submission).

Submission:

GeneDx
Classification: Uncertain significance. Last evaluated: 2024-07-16. Review status: criteria provided, single submitter. Criteria: GeneDx Variant Classification Process June 2021. Collection method: clinical testing. Allele origin: germline. Affected: yes.
Comment: Not observed at significant frequency in large population cohorts (gnomAD); In silico analysis supports that this missense variant has a deleterious effect on protein structure/function; Has not been previously published as pathogenic or benign to our knowledge